The following is an entry in ClinVar:

ClinVar aggregate classification (germline): Uncertain significance. Review status: criteria provided, multiple submitters, no conflicts (2 of 4 stars). 2 submissions from 2 submitters: Uncertain significance (2). Last evaluated 2026-01-11.

Conditions:
Pheochromocytoma/paraganglioma syndrome 5. Also called: Paragangliomas 5; SDHA-Related Hereditary Paraganglioma-Pheochromocytoma Syndrome. Identifiers: Orphanet 29072, MedGen C3279992, MONDO:0013602, OMIM 614165.
Mitochondrial complex II deficiency, nuclear type 1. Also called: SUCCINATE CoQ REDUCTASE DEFICIENCY. Identifiers: Orphanet 3208, MedGen C5700310, MONDO:0100294, OMIM 252011.
Hereditary cancer-predisposing syndrome. Also called: Tumor predisposition; Hereditary neoplastic syndrome; Neoplastic Syndromes, Hereditary; Hereditary Cancer Syndrome. Identifiers: Orphanet 140162, MedGen C0027672, MeSH D009386, MONDO:0015356.

Allele frequency attached by ClinVar (database versions not stated): TOPMed below 0.00001; ExAC 0.00001; gnomAD 0.00001; ESP Exome Variant Server 0.00008.
gnomAD v4.1: 1 of 1,611,054 alleles (0.000062%); no homozygotes.

Submissions (2):

Labcorp Genetics (formerly Invitae), Labcorp
Classification: Uncertain significance for Pheochromocytoma/paraganglioma syndrome 5; Mitochondrial complex II deficiency, nuclear type 1. Last evaluated: 2026-01-11. Review status: criteria provided, single submitter. Criteria: Invitae Variant Classification Sherloc (09022015). Collection method: clinical testing. Allele origin: germline.
Comment: This sequence change replaces proline, which is neutral and non-polar, with leucine, which is neutral and non-polar, at codon 23 of the SDHA protein (p.Pro23Leu). This variant is present in population databases (rs376207983, gnomAD 0.01%). This variant has not been reported in the literature in individuals affected with SDHA-related conditions. ClinVar contains an entry for this variant (Variation ID: 826692). Invitae Evidence Modeling of protein sequence and biophysical properties (such as structural, functional, and spatial information, amino acid conservation, physicochemical variation, residue mobility, and thermodynamic stability) indicates that this missense variant is not expected to disrupt SDHA protein function with a negative predictive value of 95%. In summary, the available evidence is currently insufficient to determine the role of this variant in disease. Therefore, it has been classified as a Variant of Uncertain Significance.

Ambry Genetics
Classification: Uncertain significance for Hereditary cancer-predisposing syndrome. Last evaluated: 2025-12-19. Review status: criteria provided, single submitter. Criteria: Ambry Variant Classification Scheme 2023. Collection method: clinical testing. Allele origin: germline.
Comment: The p.P23L variant (also known as c.68C>T), located in coding exon 2 of the SDHA gene, results from a C to T substitution at nucleotide position 68. The proline at codon 23 is replaced by leucine, an amino acid with similar properties. This amino acid position is highly conserved in available vertebrate species. In addition, this alteration is predicted to be tolerated by in silico analysis. Based on the available evidence, the clinical significance of this variant remains unclear.

NM_004168.4(SDHA):c.68C>T (p.Pro23Leu)

Gene: SDHA (succinate dehydrogenase complex flavoprotein subunit A; plus strand). Cytogenetic location: 5p15.33.
Variant type: single nucleotide variant.
Coding change: c.68C>T on transcript NM_004168.4 (MANE Select); coding-DNA position 68, C replaced by T.
Protein change: p.Pro23Leu; replaces proline 23 with leucine.
Molecular consequence: missense variant.
Genome position (GRCh38, 1-based): chr5:223,486, C>T. VCF-style: chr5-223486-C-T. GRCh37 (hg19) VCF-style: chr5-223601-C-T.
Other names: c.68C>T, p.Pro23Leu (NM_001294332.2, NM_001330758.2); short protein forms P23L.
Identifiers: ClinVar variation 826692 (VCV000826692.6), dbSNP rs376207983, ClinGen allele CA3172713.